The following is an entry in ClinVar:

NM_030665.4(RAI1):c.2648A>T (p.Gln883Leu)

Gene: RAI1 (retinoic acid induced 1; plus strand). Cytogenetic location: 17p11.2.
Variant type: single nucleotide variant.
Coding change: c.2648A>T on transcript NM_030665.4 (MANE Select); coding-DNA position 2648, A replaced by T.
Protein change: p.Gln883Leu; replaces glutamine 883 with leucine.
Molecular consequence: missense variant.
Genome position (GRCh38, 1-based): chr17:17,795,596, A>T. VCF-style: chr17-17795596-A-T. GRCh37 (hg19) VCF-style: chr17-17698910-A-T.
Other names: short protein forms Q883L.
Identifiers: ClinVar variation 3769548 (VCV003769548.2).

ClinVar aggregate classification (germline): Uncertain significance (1 of 4 stars; one submission).

Submission:

Women's Health and Genetics/Laboratory Corporation of America, LabCorp
Classification: Uncertain significance. Last evaluated: 2025-01-17. Review status: criteria provided, single submitter. Criteria: LabCorp Variant Classification Summary - May 2015. Collection method: clinical testing. Allele origin: germline.
Comment: Variant summary: RAI1 c.2648A>T (p.Gln883Leu) results in a non-conservative amino acid change in the encoded protein sequence. Four of five in-silico tools predict a benign effect of the variant on protein function. The variant was absent in 247590 control chromosomes. The available data on variant occurrences in the general population are insufficient to allow any conclusion about variant significance. To our knowledge, no occurrence of c.2648A>T in individuals affected with Smith-Magenis Syndrome and no experimental evidence demonstrating its impact on protein function have been reported. No submitters have cited clinical-significance assessments for this variant to ClinVar. Based on the evidence outlined above, the variant was classified as uncertain significance.